The following is an entry in ClinVar:

ClinVar aggregate classification (germline): Likely benign (1 of 4 stars; one submission).

Allele frequency attached by ClinVar (database versions not stated): gnomAD 0.00006; ExAC 0.00010; 1000 Genomes Project 30x 0.00016; 1000 Genomes Project 0.00020.
gnomAD v4.1: 219 of 1,613,912 alleles (0.014%); highest among the groups gnomAD compares: Non-Finnish European, 0.017%; no homozygotes.

Submission:

CeGaT Center for Human Genetics Tuebingen
Classification: Likely benign. Last evaluated: 2025-09-01. Review status: criteria provided, single submitter. Criteria: CeGaT Center For Human Genetics Tuebingen Variant Classification Criteria Version 2. Collection method: clinical testing. Allele origin: germline. Affected: yes. Observed: 3 variant alleles.
Comment: ASXL3: BP4, BP7

NM_030632.3(ASXL3):c.3384G>A (p.Arg1128=)

Gene: ASXL3 (ASXL transcriptional regulator 3; plus strand). Cytogenetic location: 18q12.1.
Variant type: single nucleotide variant.
Coding change: c.3384G>A on transcript NM_030632.3 (MANE Select); coding-DNA position 3384, G replaced by A.
Protein change: p.Arg1128=; no amino-acid change (arginine 1128 retained).
Molecular consequence: synonymous variant.
Genome position (GRCh38, 1-based): chr18:33,743,232, G>A. VCF-style: chr18-33743232-G-A. GRCh37 (hg19) VCF-style: chr18-31323196-G-A.
Identifiers: ClinVar variation 3239272 (VCV003239272.19), dbSNP rs193209721.